The following is an entry in ClinVar:

ClinVar aggregate classification (germline): Pathogenic. Review status: criteria provided, multiple submitters, no conflicts (2 of 4 stars). 3 submissions from 3 submitters: Pathogenic (3). Last evaluated 2025-12-29.

Conditions:
Hereditary cancer-predisposing syndrome. Also called: Hereditary Cancer Syndrome; Hereditary neoplastic syndrome; Tumor predisposition; Neoplastic Syndromes, Hereditary. Identifiers: Orphanet 140162, MedGen C0027672, MeSH D009386, MONDO:0015356.
Familial adenomatous polyposis 1 (FAP1). Also called: FAMILIAL ADENOMATOUS POLYPOSIS 1, ATTENUATED; POLYPOSIS, ADENOMATOUS INTESTINAL. Identifiers: MedGen C2713442, MONDO:0021056, OMIM 175100. Disease mechanism: loss of function.

Submissions (3):

Center for Genomic Medicine, Rigshospitalet, Copenhagen University Hospital
Classification: Pathogenic. Last evaluated: 2025-12-29. Review status: criteria provided, single submitter. Criteria: ACMG Guidelines, 2015. Collection method: clinical testing. Allele origin: germline.
Comment: Classification criteria: PVS1, PS4_supporting, PM2_supporting

Myriad Genetics, Inc.
Classification: Pathogenic for Familial adenomatous polyposis 1. Last evaluated: 2023-05-04. Review status: criteria provided, single submitter. Criteria: Myriad Autosomal Dominant, Autosomal Recessive and X-Linked Classification Criteria (2023). Collection method: clinical testing. Allele origin: unknown.
Comment: This variant is considered pathogenic. This variant creates a termination codon and is predicted to result in premature protein truncation.

Ambry Genetics
Classification: Pathogenic for Hereditary cancer-predisposing syndrome. Last evaluated: 2022-04-05. Review status: criteria provided, single submitter. Criteria: Ambry Variant Classification Scheme 2023. Collection method: clinical testing. Allele origin: germline.
Comment: The p.S823* pathogenic mutation (also known as c.2468C>G), located in coding exon 15 of the APC gene, results from a C to G substitution at nucleotide position 2468. This changes the amino acid from a serine to a stop codon within coding exon 15. This alteration occurs at the 3' terminus of theAPC gene, is not expected to trigger nonsense-mediated mRNA decay, and impacts the last 2021 amino acids of the protein. However, premature stop codons are typically deleterious in nature and the impacted region is critical for protein function (Ambry internal data). This alteration has been observed in at least one individual with a personal and/or family history that is consistent with APC-related disease, and other truncating alterations downstream have been observed in individuals with a personal and/or family history that is consistent with APC-related disease (Ambry internal data). This variant is also considered to be rare based on population cohorts in the Genome Aggregation Database (gnomAD). Based on the supporting evidence, this alteration is interpreted as a disease-causing mutation.

NM_000038.6(APC):c.2468C>G (p.Ser823Ter)

Gene: APC (APC regulator of Wnt signaling pathway; plus strand). Cytogenetic location: 5q22.2.
Variant type: single nucleotide variant.
Coding change: c.2468C>G on transcript NM_000038.6 (MANE Select); coding-DNA position 2468, C replaced by G.
Protein change: p.Ser823Ter; replaces serine 823 with a stop codon.
Molecular consequence: nonsense.
Genome position (GRCh38, 1-based): chr5:112,838,062, C>G. VCF-style: chr5-112838062-C-G. GRCh37 (hg19) VCF-style: chr5-112173759-C-G.
Other names: c.2468C>G, p.Ser823Ter (NM_001127510.3, NM_001354895.2, NM_001407450.1); c.2414C>G, p.Ser805Ter (NM_001127511.3); c.2522C>G, p.Ser841Ter (NM_001354896.2, NM_001407447.1, NM_001407448.1 and 1 more transcripts); c.2498C>G, p.Ser833Ter (NM_001354897.2); c.2393C>G, p.Ser798Ter (NM_001354898.2); c.2384C>G, p.Ser795Ter (NM_001354899.2); c.2345C>G, p.Ser782Ter (NM_001354900.2); c.2291C>G, p.Ser764Ter (NM_001354901.2, NM_001407453.1); and 11 more; short protein forms S439*, S732*, S782*, S813*, S823*, S740*, S764*, S833*.
Identifiers: ClinVar variation 1791715 (VCV001791715.5), dbSNP rs1580622630, ClinGen allele CA16026751.
Genomic context (GRCh38, chr5:112,838,062, plus strand): 5'-CCAATCGACATGATGATAATAGGTCAGACAATTTTAATACTGGCAACATGACTGTCCTTT[C>G]ACCATATTTGAATACTACAGTGTTACCCAGCTCCTCTTCATCAAGAGGAAGCTTAGATAG-3'